The following is an entry in ClinVar:

NM_052867.4(NALCN):c.4717C>T (p.Arg1573Cys)

Gene: NALCN (sodium leak channel, non-selective; minus strand). Cytogenetic location: 13q32.3.
Variant type: single nucleotide variant.
Coding change: c.4717C>T on transcript NM_052867.4 (MANE Select); coding-DNA position 4717, C replaced by T.
Protein change: p.Arg1573Cys; replaces arginine 1573 with cysteine.
Molecular consequence: missense variant.
Genome position (GRCh38, 1-based): chr13:101,062,006, G>A on the plus strand (C>T on the coding strand, the complement: NALCN is on the minus strand). VCF-style: chr13-101062006-G-A. GRCh37 (hg19) VCF-style: chr13-101714358-G-A.
Other names: c.4804C>T, p.Arg1602Cys (NM_001350748.2); c.4717C>T, p.Arg1573Cys (NM_001350749.2); c.4630C>T, p.Arg1544Cys (NM_001350750.2, NM_001350751.2); short protein forms R1544C, R1602C, R1573C.
Identifiers: ClinVar variation 2973193 (VCV002973193.5), dbSNP rs749996043, ClinGen allele CA7035048.
Genomic context (GRCh38, chr13:101,062,006, plus strand): 5'-TGCATGTGTGCAGTTCACTCACAGCTCTGATGCGCTTCAGGCACTTCTTGAGCCACATGC[G>A]GATGGTCTGCTTGGCCACCTCCTCCTCTATGGTGTACTCCAGCTGCTCCCTCGCCAGGAG-3'
Protein context (NP_443099.1, residues 1563-1583): IEEEVAKQTI[Arg1573Cys]MWLKKCLKRI

ClinVar aggregate classification (germline): Uncertain significance. Review status: criteria provided, multiple submitters, no conflicts (2 of 4 stars). 2 submissions from 2 submitters: Uncertain significance (2). Last evaluated 2025-12-16.

Conditions:
Congenital contractures of the limbs and face, hypotonia, and developmental delay (CLIFAHDD). Identifiers: Orphanet 562528, MedGen C4225398, MONDO:0014556, OMIM 616266.

Allele frequency attached by ClinVar (database versions not stated): ExAC 0.00001; gnomAD exomes below 0.00001; TOPMed below 0.00001; gnomAD 0.00001.
gnomAD v4.1: 7 of 1,613,910 alleles (0.00043%); highest among the groups gnomAD compares: South Asian, 0.0011%; no homozygotes.

Submissions (2):

Labcorp Genetics (formerly Invitae), Labcorp
Classification: Uncertain significance. Last evaluated: 2025-12-16. Review status: criteria provided, single submitter. Criteria: Invitae Variant Classification Sherloc (09022015). Collection method: clinical testing. Allele origin: germline.
Comment: This sequence change replaces arginine, which is basic and polar, with cysteine, which is neutral and slightly polar, at codon 1573 of the NALCN protein (p.Arg1573Cys). This variant is present in population databases (rs749996043, gnomAD 0.003%). This variant has not been reported in the literature in individuals affected with NALCN-related conditions. ClinVar contains an entry for this variant (Variation ID: 2973193). Invitae Evidence Modeling of protein sequence and biophysical properties (such as structural, functional, and spatial information, amino acid conservation, physicochemical variation, residue mobility, and thermodynamic stability) has been performed for this missense variant. However, the output from this modeling did not meet the statistical confidence thresholds required to predict the impact of this variant on NALCN protein function. In summary, the available evidence is currently insufficient to determine the role of this variant in disease. Therefore, it has been classified as a Variant of Uncertain Significance.

Dasa
Classification: Uncertain significance for Congenital contractures of the limbs and face, hypotonia, and developmental delay. Last evaluated: 2025-10-30. Review status: criteria provided, single submitter. Criteria: DASA Assertion Criteria. Collection method: clinical testing. Allele origin: germline.
Comment: NM_052867.4(NALCN):c.4717C>T (p.Arg1573Cys) is a missense variant that results in the substitution of arginine with cysteine. This variant is rare in population databases. Computational prediction algorithms are consistent with a deleterious effect. The currently available literature and clinical evidence are not sufficient to establish a definitive association between this variant and the reported condition. Therefore, this variant is classified as a variant of uncertain significance.